The following is an entry in ClinVar:

NM_000142.5(FGFR3):c.1335A>G (p.Ser445=)

Gene: FGFR3 (fibroblast growth factor receptor 3; plus strand). Cytogenetic location: 4p16.3.
Variant type: single nucleotide variant.
Coding change: c.1335A>G on transcript NM_000142.5 (MANE Select); coding-DNA position 1335, A replaced by G.
Protein change: p.Ser445=; no amino-acid change (serine 445 retained).
Molecular consequence: synonymous variant. On other transcripts: non-coding transcript variant (1).
Genome position (GRCh38, 1-based): chr4:1,804,892, A>G. VCF-style: chr4-1804892-A-G. GRCh37 (hg19) VCF-style: chr4-1806619-A-G.
Other names: c.1341A>G, p.Ser447= (NM_001163213.2); c.1338A>G, p.Ser446= (NM_001354809.2, NM_001354810.2); c.999A>G, p.Ser333= (NM_022965.4).
Identifiers: ClinVar variation 3030030 (VCV003030030.4), dbSNP rs1022906537, ClinGen allele CA91254553.

ClinVar aggregate classification (germline): Likely benign. Review status: criteria provided, multiple submitters, no conflicts (2 of 4 stars). 3 submissions from 3 submitters: Likely benign (2). 1 of the submissions does not count toward it. Last evaluated 2025-06-30.

Conditions:
FGFR3-related disorder. Also called: FGFR3-related disorders.

Allele frequency attached by ClinVar (database versions not stated): gnomAD 0.00001; gnomAD exomes 0.00002.
gnomAD v4.1: 25 of 1,549,784 alleles (0.0016%); highest among the groups gnomAD compares: Middle Eastern, 0.071%; no homozygotes.

Submissions (3):

Women's Health and Genetics/Laboratory Corporation of America, LabCorp
Classification: Likely benign. Last evaluated: 2025-06-30. Review status: criteria provided, single submitter. Criteria: LabCorp Variant Classification Summary - May 2015. Collection method: clinical testing. Allele origin: germline.

Labcorp Genetics (formerly Invitae), Labcorp
Classification: Likely benign. Last evaluated: 2025-04-09. Review status: criteria provided, single submitter. Criteria: Invitae Variant Classification Sherloc (09022015). Collection method: clinical testing. Allele origin: germline.

PreventionGenetics, part of Exact Sciences
Classification: Likely benign for FGFR3-related condition. Last evaluated: 2022-01-18. Review status: no assertion criteria provided. Collection method: clinical testing. Allele origin: germline. Not counted in ClinVar's aggregate classification.
Comment: This variant is classified as likely benign based on ACMG/AMP sequence variant interpretation guidelines (Richards et al. 2015 PMID: 25741868, with internal and published modifications).